The following is an entry in ClinVar:

NC_012920.1(MT-TF):m.592C>T

Gene: MT-TF (mitochondrially encoded tRNA phenylalanine; plus strand).
Variant type: single nucleotide variant.
Genome position: chrM-592-C-T.
Identifiers: ClinVar variation 689808 (VCV000689808.1), dbSNP rs1603218450, ClinGen allele CA913175550.
Genomic context (GRCh38, chrMT:592, plus strand): 5'-AACCCCATACCCCGAACCAACCAAACCCCAAAGACACCCCCCACAGTTTATGTAGCTTAC[C>T]TCCTCAAAGCAATACACTGAAAATGTTTAGACGGGCTCACATCACCCCATAAACAAATAG-3'

ClinVar aggregate classification (germline): Benign (1 of 4 stars; one submission).

Conditions:
MELAS syndrome (MELAS). Also called: Juvenile myopathy, encephalopathy, lactic acidosis, stroke. Identifiers: Orphanet 550, MedGen C0162671, MONDO:0010789, OMIM 540000.

Submission:

Wong Mito Lab, Molecular and Human Genetics, Baylor College of Medicine
Classification: Benign for MELAS syndrome. Last evaluated: 2019-07-12. Review status: criteria provided, single submitter. Criteria: Modified ACMG Guidelines (Unpublished). Collection method: clinical testing. Allele origin: germline.
Comment: The NC_012920.1:m.592C>T variant in MT-TF gene is interpreted to be a Benign variant based on the modified ACMG guidelines (unpublished). This variant meets the following evidence codes reported in the guidelines: BS1, BS4, BP4

Literature cited by the submitters: PubMed 31965079.